The following is an entry in ClinVar:

NM_033305.3(VPS13A):c.8211+1G>A

Gene: VPS13A (vacuolar protein sorting 13 homolog A; plus strand). Cytogenetic location: 9q21.2.
Variant type: single nucleotide variant.
Coding change: c.8211+1G>A on transcript NM_033305.3 (MANE Select); the canonical splice donor site of the intron after coding-DNA position 8211, G replaced by A.
Molecular consequence: splice donor variant.
Genome position (GRCh38, 1-based): chr9:77,360,642, G>A. VCF-style: chr9-77360642-G-A. GRCh37 (hg19) VCF-style: chr9-79975558-G-A.
Other names: c.8094+1G>A (NM_001018037.2); c.8211+1G>A (NM_015186.4, NM_001018038.3).
Identifiers: ClinVar variation 4816428 (VCV004816428.2).
Genomic context (GRCh38, chr9:77,360,642, plus strand): 5'-GGGTTTATCTATGCTTTAACAGACCTTATGACAGAAGCTGAGGTGACTGAAAATACAGAG[G>A]TAAGACTTAAAATAATAACATTTGATGGAAAGGATTAGGGAAAAGATATTATTATAAATT-3'

ClinVar aggregate classification (germline): Likely pathogenic. Review status: criteria provided, multiple submitters, no conflicts (2 of 4 stars). 2 submissions from 2 submitters: Likely pathogenic (2). Last evaluated 2026-08-28.

Conditions:
VPS13A-related neurodegenerative disease. Also called: Chorea-acanthocytosis; Choreaacanthocytosis; Choreoacanthocytosis; ACANTHOCYTOSIS WITH NEUROLOGIC DISORDER; LEVINE-CRITCHLEY SYNDROME; VPS13A Disease. Identifiers: Orphanet 2388, MedGen C0393576, MONDO:0008695, OMIM 200150.

Submissions (2):

Myriad Genetics, Inc.
Classification: Likely pathogenic for VPS13A-related neurodegenerative disease. Last evaluated: 2026-08-28. Review status: criteria provided, single submitter. Criteria: Myriad Autosomal Dominant, Autosomal Recessive and X-Linked Classification Criteria (2023). Collection method: clinical testing. Allele origin: unknown.
Comment: NM_033305.2(VPS13A):c.8211+1G>A is a variant in a canonical splice site classified as likely pathogenic in the context of VPS13A disease. c.8211+1G>A has not been observed in cases with relevant disease. Relevant functional assessments of this variant are not available in the literature. c.8211+1G>A has not been observed in referenced population frequency databases. In summary, NM_033305.2(VPS13A):c.8211+1G>A is a variant in a canonical splice site in a gene where loss of function is a known mechanism of disease and is predicted to disrupt protein function. Please note: this variant was assessed in the context of healthy population screening.

Natera, Inc.
Classification: Likely pathogenic for Choreaacanthocytosis. Last evaluated: 2024-06-27. Review status: criteria provided, single submitter. Criteria: Natera Variant Classification Schema (03/2026). Collection method: clinical testing. Allele origin: germline.
Comment: The c.8211+1G>A variant in VPS13A is a canonical splice donor site variant predicted to affect pre-mRNA splicing, which may result in an abnormal transcript and altered protein product. This variant is expected to result in nonsense mediated decay, truncation, or a dysfunctional protein product. This variant is rare in the general population with a frequency below the threshold expected for the associated phenotype(s). Given the available evidence, this variant is classified as Likely Pathogenic.